The following is an entry in ClinVar:

NM_001035.3(RYR2):c.12638A>G (p.Glu4213Gly)

Genes: RYR2 (ryanodine receptor 2; plus strand), LOC126806068 (BRD4-independent group 4 enhancer GRCh37_chr1:237947411-237948610; plus strand). Cytogenetic location: 1q43.
Variant type: single nucleotide variant.
Coding change: c.12638A>G on transcript NM_001035.3 (MANE Select); coding-DNA position 12638, A replaced by G.
Protein change: p.Glu4213Gly; replaces glutamic acid 4213 with glycine.
Molecular consequence: missense variant.
Genome position (GRCh38, 1-based): chr1:237,784,350, A>G. VCF-style: chr1-237784350-A-G. GRCh37 (hg19) VCF-style: chr1-237947650-A-G.
Other names: short protein forms E4213G.
Identifiers: ClinVar variation 1003245 (VCV001003245.15), dbSNP rs1178157004, ClinGen allele CA345413806.

ClinVar aggregate classification (germline): Conflicting classifications of pathogenicity. Review status: criteria provided, conflicting classifications (1 of 4 stars). 4 submissions from 4 submitters: Uncertain significance (3); Likely benign (1). Last evaluated 2024-05-09.

Conditions:
Catecholaminergic polymorphic ventricular tachycardia 1. Also called: RYR2-Related Catecholaminergic Polymorphic Ventricular Tachycardia; VENTRICULAR TACHYCARDIA, CATECHOLAMINERGIC POLYMORPHIC, 1, WITH OR WITHOUT ATRIAL DYSFUNCTION AND/OR DILATED CARDIOMYOPATHY; VENTRICULAR TACHYCARDIA, STRESS-INDUCED POLYMORPHIC 1. Identifiers: Orphanet 3286, MedGen C1631597, MONDO:0011484, OMIM 604772.
Cardiovascular phenotype. Identifiers: MedGen CN230736.
Arrhythmogenic right ventricular dysplasia 2. Identifiers: MedGen C1832931.
Ventricular arrhythmias due to cardiac ryanodine receptor calcium release deficiency syndrome. Also called: Autosomal dominant cardiac arrhythmia (Kuhn). Identifiers: MedGen C5542154, MONDO:0020745, OMIM 115000.
Catecholaminergic polymorphic ventricular tachycardia (CVPT). Also called: Catecholamine-induced polymorphic ventricular tachycardia. Identifiers: Orphanet 3286, MedGen C5574922, MONDO:0017990.

Allele frequency attached by ClinVar (database versions not stated): gnomAD exomes below 0.00001 and 0.00001; TOPMed below 0.00001; gnomAD 0.00001.
gnomAD v4.1: 14 of 1,613,806 alleles (0.00087%); highest among the groups gnomAD compares: African/African-American, 0.0027%; no homozygotes.

Submissions (4):

All of Us Research Program, National Institutes of Health
Classification: Uncertain significance for Catecholaminergic polymorphic ventricular tachycardia. Last evaluated: 2024-05-09. Review status: criteria provided, single submitter. Criteria: ACMG Guidelines, 2015. Collection method: clinical testing. Allele origin: germline. Inheritance: Autosomal dominant inheritance. Observed: 3 variant alleles, 3 heterozygotes.
Comment: This missense variant replaces glutamic acid with glycine at codon 4213 of the RYR2 protein. Computational prediction is inconclusive regarding the impact of this variant on protein structure and function (internally defined REVEL score threshold 0.5 < inconclusive < 0.7, PMID: 27666373). To our knowledge, functional studies have not been reported for this variant. This variant has not been reported in individuals affected with RYR2-related disorders in the literature. This variant has been identified in 2/280072 chromosomes in the general population by the Genome Aggregation Database (gnomAD). The available evidence is insufficient to determine the role of this variant in disease conclusively. Therefore, this variant is classified as a Variant of Uncertain Significance.

This study involves interpretation of variants in research participants for the purpose of population health screening. Participant phenotype was not available at the time of variant classification. Additional details can be found in publication PMID: 35346344, PMCID: PMC8962531

Labcorp Genetics (formerly Invitae), Labcorp
Classification: Likely benign for Catecholaminergic polymorphic ventricular tachycardia 1. Last evaluated: 2024-03-13. Review status: criteria provided, single submitter. Criteria: Invitae Variant Classification Sherloc (09022015). Collection method: clinical testing. Allele origin: germline.

Fulgent Genetics
Classification: Uncertain significance for Ventricular arrhythmias due to cardiac ryanodine receptor calcium release deficiency syndrome; Catecholaminergic polymorphic ventricular tachycardia 1. Last evaluated: 2021-08-25. Review status: criteria provided, single submitter. Criteria: ACMG Guidelines, 2015. Collection method: clinical testing. Allele origin: unknown.

Ambry Genetics
Classification: Uncertain significance for Cardiovascular phenotype. Last evaluated: 2019-05-15. Review status: criteria provided, single submitter. Criteria: Ambry Variant Classification Scheme 2023. Collection method: clinical testing. Allele origin: germline.
Comment: The p.E4213G variant (also known as c.12638A>G), located in coding exon 90 of the RYR2 gene, results from an A to G substitution at nucleotide position 12638. The glutamic acid at codon 4213 is replaced by glycine, an amino acid with similar properties. This amino acid position is well conserved in available vertebrate species; however, glycine is the reference amino acid in other vertebrate species. In addition, the in silico prediction for this alteration is inconclusive. Since supporting evidence is limited at this time, the clinical significance of this alteration remains unclear.